The following is an entry in ClinVar:

NM_007325.5(GRIA3):c.1991C>T (p.Pro664Leu)

Gene: GRIA3 (glutamate ionotropic receptor AMPA type subunit 3; plus strand). Cytogenetic location: Xq25.
Variant type: single nucleotide variant.
Coding change: c.1991C>T on transcript NM_007325.5 (MANE Select); coding-DNA position 1991, C replaced by T.
Protein change: p.Pro664Leu; replaces proline 664 with leucine.
Molecular consequence: missense variant.
Genome position (GRCh38, 1-based): chrX:123,428,054, C>T. VCF-style: chrX-123428054-C-T. GRCh37 (hg19) VCF-style: chrX-122561905-C-T.
Other names: c.1991C>T, p.Pro664Leu (NM_000828.5); short protein forms P664L.
Identifiers: ClinVar variation 452028 (VCV000452028.5), dbSNP rs1556319988, ClinGen allele CA414259959.

ClinVar aggregate classification (germline): Likely pathogenic (1 of 4 stars; one submission).

Submission:

GeneDx
Classification: Likely pathogenic. Last evaluated: 2025-08-13. Review status: criteria provided, single submitter. Criteria: GeneDx Variant Classification Process June 2021. Collection method: clinical testing. Allele origin: germline. Affected: yes.
Comment: Not observed at significant frequency in large population cohorts (gnomAD); In silico analysis supports that this missense variant has a deleterious effect on protein structure/function; Has not been previously published as pathogenic or benign to our knowledge